The following is an entry in ClinVar:

ClinVar aggregate classification (germline): Likely pathogenic (1 of 4 stars; one submission).

Conditions:
Fetal anomalies with a likely genetic cause.

Submission:

Genetics Laboratory, Great Ormond Street Hospital NHS Foundation Trust, North Thames Genomic Laboratory Hub
Classification: Likely pathogenic for Fetal anomalies with a likely genetic cause. Last evaluated: 2026-09-17. Review status: criteria provided, single submitter. Criteria: ACGS Best Practice Guidelines for Variant Classification in Rare Disease 2024 v1.2. Collection method: clinical testing. Allele origin: germline. Affected: yes.
Comment: PM2_moderate, PP3_supporting, PM3_moderate, PP4_supporting

NM_002474.3(MYH11):c.1441G>A (p.Glu481Lys)

Gene: MYH11 (myosin heavy chain 11; minus strand). Cytogenetic location: 16p13.11.
Variant type: single nucleotide variant.
Coding change: c.1441G>A on transcript NM_002474.3 (MANE Select); coding-DNA position 1441, G replaced by A.
Protein change: p.Glu481Lys; replaces glutamic acid 481 with lysine.
Molecular consequence: missense variant.
Genome position (GRCh38, 1-based): chr16:15,757,961, C>T on the plus strand (G>A on the coding strand, the complement: MYH11 is on the minus strand). VCF-style: chr16-15757961-C-T. GRCh37 (hg19) VCF-style: chr16-15851818-C-T.
Other names: c.1462G>A, p.Glu488Lys (NM_001040113.2, NM_001040114.2); c.1441G>A, p.Glu481Lys (NM_022844.3); short protein forms E481K, E488K.
Identifiers: ClinVar variation 5043304 (VCV005043304.1).